The following is an entry in ClinVar:

ClinVar aggregate classification (germline): Uncertain significance (1 of 4 stars; one submission).

Conditions:
Osteopathia striata with cranial sclerosis (OSCS). Also called: HYPEROSTOSIS GENERALISATA WITH STRIATIONS. Identifiers: Orphanet 2780, MedGen C0432268, MONDO:0010310, OMIM 300373.

Submission:

Baylor Genetics
Classification: Uncertain significance for Osteopathia striata with cranial sclerosis. Last evaluated: 2019-08-08. Review status: criteria provided, single submitter. Criteria: ACMG Guidelines, 2015. Collection method: clinical testing. Allele origin: unknown. Affected: yes.
Comment: This variant was determined to be of uncertain significance according to ACMG Guidelines, 2015 [PMID:25741868].

NM_152424.4(AMER1):c.3328T>A (p.Ser1110Thr)

Gene: AMER1 (APC membrane recruitment protein 1; minus strand). Cytogenetic location: Xq11.2.
Variant type: single nucleotide variant.
Coding change: c.3328T>A on transcript NM_152424.4 (MANE Select); coding-DNA position 3328, T replaced by A.
Protein change: p.Ser1110Thr; replaces serine 1110 with threonine.
Molecular consequence: missense variant.
Genome position (GRCh38, 1-based): chrX:64,189,959, A>T on the plus strand (T>A on the coding strand, the complement: AMER1 is on the minus strand). VCF-style: chrX-64189959-A-T. GRCh37 (hg19) VCF-style: chrX-63409839-A-T.
Other names: short protein forms S1110T.
Identifiers: ClinVar variation 1030260 (VCV001030260.1), dbSNP rs1930205301, ClinGen allele CA413301037.